The following is an entry in ClinVar:

NM_001009944.3(PKD1):c.1253A>C (p.His418Pro)

Gene: PKD1 (polycystin 1, transient receptor potential channel interacting; minus strand). Cytogenetic location: 16p13.3.
Variant type: single nucleotide variant.
Coding change: c.1253A>C on transcript NM_001009944.3 (MANE Select); coding-DNA position 1253, A replaced by C.
Protein change: p.His418Pro; replaces histidine 418 with proline.
Molecular consequence: missense variant.
Genome position (GRCh38, 1-based): chr16:2,117,621, T>G on the plus strand (A>C on the coding strand, the complement: PKD1 is on the minus strand). VCF-style: chr16-2117621-T-G. GRCh37 (hg19) VCF-style: chr16-2167622-T-G.
Other names: c.1253A>C, p.His418Pro (NM_000296.4); short protein forms H418P.
Identifiers: ClinVar variation 3579771 (VCV003579771.3).

ClinVar aggregate classification (germline): Uncertain significance. Review status: criteria provided, multiple submitters, no conflicts (2 of 4 stars). 2 submissions from 2 submitters: Uncertain significance (2). Last evaluated 2025-04-03.

Conditions:
Polycystic kidney disease, adult type (PKD1). Also called: Polycystic Kidney Disease 1, Autosomal Dominant; Polycystic kidney disease 1; Polycystic kidney disease 1, severe; Polycystic Kidney, Autosomal Dominant; POLYCYSTIC KIDNEY DISEASE, ADULT, TYPE I; POLYCYSTIC KIDNEY DISEASE 1 WITH OR WITHOUT POLYCYSTIC LIVER DISEASE. Identifiers: MedGen C3149841, MONDO:0008263, OMIM 173900.

Submissions (2):

Women's Health and Genetics/Laboratory Corporation of America, LabCorp
Classification: Uncertain significance. Last evaluated: 2025-04-03. Review status: criteria provided, single submitter. Criteria: LabCorp Variant Classification Summary - May 2015. Collection method: clinical testing. Allele origin: germline.
Comment: Variant summary: PKD1 c.1253A>C (p.His418Pro) results in a non-conservative amino acid change in the encoded protein sequence. Four of five in-silico tools predict a damaging effect of the variant on protein function. The variant was absent in 234804 control chromosomes. The available data on variant occurrences in the general population are insufficient to allow any conclusion about variant significance. To our knowledge, no occurrence of c.1253A>C in individuals affected with PKD1-Biallelic Autosomal Recessive Polycystic Kidney Disease and no experimental evidence demonstrating its impact on protein function have been reported. ClinVar contains an entry for this variant (Variation ID: 3579771). Based on the evidence outlined above, the variant was classified as uncertain significance.

Fulgent Genetics
Classification: Uncertain significance for Polycystic kidney disease, adult type. Last evaluated: 2024-02-08. Review status: criteria provided, single submitter. Criteria: ACMG Guidelines, 2015. Collection method: clinical testing. Allele origin: germline.